The following is an entry in ClinVar:

ClinVar aggregate classification (germline): Benign. Review status: criteria provided, multiple submitters, no conflicts (2 of 4 stars). 2 submissions from 2 submitters: Benign (2). Last evaluated 2025-11-23.

Allele frequency attached by ClinVar (database versions not stated): gnomAD 0.00006 and 0.00007; gnomAD exomes 0.00010 and 0.00047; TOPMed 0.00022; ExAC 0.00043.
gnomAD v4.1: 146 of 1,612,042 alleles (0.0091%); highest among the groups gnomAD compares: Admixed American, 0.23%; no homozygotes.

Submissions (2):

Labcorp Genetics (formerly Invitae), Labcorp
Classification: Benign. Last evaluated: 2025-11-23. Review status: criteria provided, single submitter. Criteria: Invitae Variant Classification Sherloc (09022015). Collection method: clinical testing. Allele origin: germline.

Women's Health and Genetics/Laboratory Corporation of America, LabCorp
Classification: Benign. Last evaluated: 2024-02-14. Review status: criteria provided, single submitter. Criteria: LabCorp Variant Classification Summary - May 2015. Collection method: clinical testing. Allele origin: germline.
Comment: Variant summary: DTNBP1 c.668-8A>G alters a non-conserved nucleotide located close to a canonical splice site and therefore could affect mRNA splicing, leading to a significantly altered protein sequence. Consensus agreement among computation tools predict no significant impact on normal splicing. However, these predictions have yet to be confirmed by functional studies. The variant allele was found at a frequency of 0.00047 in 247198 control chromosomes, predominantly at a frequency of 0.0032 within the Latino subpopulation in the gnomAD database. The observed variant frequency within Latino control individuals in the gnomAD database is approximately 20.24 fold of the estimated maximal expected allele frequency for a pathogenic variant in DTNBP1 causing Hermansky-Pudlak Syndrome phenotype (0.00016), strongly suggesting that the variant is a benign polymorphism found primarily in populations of Latino origin. To our knowledge, no occurrence of c.668-8A>G in individuals affected with Hermansky-Pudlak Syndrome and no experimental evidence demonstrating its impact on protein function have been reported. ClinVar contains an entry for this variant (Variation ID: 355965). Based on the evidence outlined above, the variant was classified as benign.

NM_032122.5(DTNBP1):c.668-8A>G

Gene: DTNBP1 (dystrobrevin binding protein 1; minus strand). Cytogenetic location: 6p22.3.
Variant type: single nucleotide variant.
Coding change: c.668-8A>G on transcript NM_032122.5 (MANE Select); 8 bases into the intron before coding-DNA position 668, A replaced by G.
Molecular consequence: intron variant.
Genome position (GRCh38, 1-based): chr6:15,524,677, T>C on the plus strand (A>G on the coding strand, the complement: DTNBP1 is on the minus strand). VCF-style: chr6-15524677-T-C. GRCh37 (hg19) VCF-style: chr6-15524908-T-C.
Other names: c.563-8A>G (NM_001271669.2); c.617-8A>G (NM_001271668.2); c.425-8A>G (NM_001271667.2); c.668-8A>G (NM_183040.2).
Identifiers: ClinVar variation 355965 (VCV000355965.13), dbSNP rs757305528, ClinGen allele CA3643919.